The following is an entry in ClinVar:

Conditions:
Breast-ovarian cancer, familial, susceptibility to, 1 (BROVCA1). Also called: BRCA1 Hereditary Breast and Ovarian Cancer; OVARIAN CANCER, SUSCEPTIBILITY TO. Identifiers: Orphanet 145, MedGen C2676676, MONDO:0011450, OMIM 604370. Disease mechanism: loss of function.

Submission:

Brotman Baty Institute, University of Washington
No classification provided (evidence only). Condition: Breast-ovarian cancer, familial 1. Review status: no classification provided. Collection method: in vitro. Allele origin: not applicable. Functional consequence: functionally_abnormal.
ClinVar note: "not provided" was previously submitted as the classification for the variant. However, the classification appeared to be based only on an observation of functional data so it was converted to no classification on 2025-07-30.

NM_007294.4(BRCA1):c.301+4A>T

Gene: BRCA1 (BRCA1 DNA repair associated; minus strand). Cytogenetic location: 17q21.31.
Variant type: single nucleotide variant.
Coding change: c.301+4A>T on transcript NM_007294.4 (MANE Select); 4 bases into the intron after coding-DNA position 301, A replaced by T.
Molecular consequence: intron variant.
Genome position (GRCh38, 1-based): chr17:43,104,864, T>A on the plus strand (A>T on the coding strand, the complement: BRCA1 is on the minus strand). VCF-style: chr17-43104864-T-A. GRCh37 (hg19) VCF-style: chr17-41256881-T-A.
Other names: c.301+4A>T (NM_001408440.1, NM_001408428.1, NM_001407678.1 and 164 more transcripts); c.91+4A>T (NM_001407917.1, NM_001407902.1, NM_001407956.1 and 58 more transcripts); c.160+4A>T (NM_001408462.1, NM_001407724.1, NM_001407697.1 and 99 more transcripts); c.223+4A>T (NM_001408414.1, NM_001408411.1, NM_001407655.1 and 21 more transcripts); c.-218-10004A>T (NM_001407967.1, NM_001407966.1); c.-81+4A>T (NM_001407959.1, NM_001407962.1, NM_001408512.1 and 4 more transcripts); c.169+4A>T (NM_001408451.1); c.292+13A>T (NM_001408408.1, NM_001407647.1, NM_001407646.1).
Identifiers: ClinVar variation 865384 (VCV000865384.3), dbSNP rs2054669183, ClinGen allele CA916080816.